The following is an entry in ClinVar:

ClinVar aggregate classification (germline): Likely benign. Review status: criteria provided, multiple submitters, no conflicts (2 of 4 stars). 6 submissions from 6 submitters: Likely benign (5). 1 of the submissions does not count toward it. Last evaluated 2026-04-01.

Conditions:
APP-related disorder. Also called: APP-related condition.
Cerebral amyloid angiopathy, APP-related. Also called: AMYLOIDOSIS, CEREBROARTERIAL, APP-RELATED; Cerebral amyloid angiopathy, Dutch, Italian, Iowa, Flemish, Arctic variants. Identifiers: Orphanet 100006, Orphanet 324703, Orphanet 324708, Orphanet 324713, Orphanet 324718, Orphanet 324723, Orphanet 85458, MedGen C2751536, MONDO:0011583, OMIM 605714.
Alzheimer disease type 1 (AD1). Also called: ALZHEIMER DISEASE, FAMILIAL, 1; ALZHEIMER DISEASE, FAMILIAL, 1, AUTOSOMAL RECESSIVE. Identifiers: MedGen C1863052, MONDO:0007088, OMIM 104300.
Inborn genetic diseases. Identifiers: MedGen C0950123, MeSH D030342.
Alzheimer disease. Also called: Presenile and senile dementia; Alzheimer's disease. Identifiers: Orphanet 1020, MedGen C0002395, MeSH D000544, MONDO:0004975, HP:0002511.

Allele frequency attached by ClinVar (database versions not stated): TOPMed 0.00008.
gnomAD v4.1: 307 of 1,613,906 alleles (0.019%); highest among the groups gnomAD compares: Non-Finnish European, 0.025%; no homozygotes.

Submissions (6):

CeGaT Center for Human Genetics Tuebingen
Classification: Likely benign. Last evaluated: 2026-04-01. Review status: criteria provided, single submitter. Criteria: CeGaT Center For Human Genetics Tuebingen Variant Classification Criteria Version 2. Collection method: clinical testing. Allele origin: germline. Affected: yes. Observed: 2 variant alleles.
Comment: APP: BP4, BP7

Women's Health and Genetics/Laboratory Corporation of America, LabCorp
Classification: Likely benign. Last evaluated: 2024-06-06. Review status: criteria provided, single submitter. Criteria: LabCorp Variant Classification Summary - May 2015. Collection method: clinical testing. Allele origin: germline.

Ambry Genetics
Classification: Likely benign for Inborn genetic diseases. Last evaluated: 2024-03-12. Review status: criteria provided, single submitter. Criteria: Ambry Variant Classification Scheme 2023. Collection method: clinical testing. Allele origin: germline.

Labcorp Genetics (formerly Invitae), Labcorp
Classification: Likely benign for Alzheimer disease. Last evaluated: 2022-03-14. Review status: criteria provided, single submitter. Criteria: Invitae Variant Classification Sherloc (09022015). Collection method: clinical testing. Allele origin: germline.

Fulgent Genetics
Classification: Likely benign for Alzheimer disease type 1; Cerebral amyloid angiopathy, APP-related. Last evaluated: 2021-07-27. Review status: criteria provided, single submitter. Criteria: ACMG Guidelines, 2015. Collection method: clinical testing. Allele origin: unknown.

PreventionGenetics, part of Exact Sciences
Classification: Likely benign for APP-related condition. Last evaluated: 2019-09-18. Review status: no assertion criteria provided. Collection method: clinical testing. Allele origin: germline. Not counted in ClinVar's aggregate classification.
Comment: This variant is classified as likely benign based on ACMG/AMP sequence variant interpretation guidelines (Richards et al. 2015 PMID: 25741868, with internal and published modifications).

NM_000484.4(APP):c.2148C>T (p.Ile716=)

Gene: APP (amyloid beta precursor protein; minus strand). Cytogenetic location: 21q21.3.
Variant type: single nucleotide variant.
Coding change: c.2148C>T on transcript NM_000484.4 (MANE Select); coding-DNA position 2148, C replaced by T.
Protein change: p.Ile716=; no amino-acid change (isoleucine 716 retained).
Molecular consequence: synonymous variant.
Genome position (GRCh38, 1-based): chr21:25,891,785, G>A on the plus strand (C>T on the coding strand, the complement: APP is on the minus strand). VCF-style: chr21-25891785-G-A. GRCh37 (hg19) VCF-style: chr21-27264097-G-A.
Other names: c.2076C>T, p.Ile692= (NM_001136016.3); c.1755C>T, p.Ile585= (NM_001136129.3); c.1980C>T, p.Ile660= (NM_001136130.3, NM_001385253.1); c.1818C>T, p.Ile606= (NM_001136131.3); c.2094C>T, p.Ile698= (NM_001204301.2); c.2037C>T, p.Ile679= (NM_001204302.2); c.1869C>T, p.Ile623= (NM_001204303.2); c.2091C>T, p.Ile697= (NM_201413.3); and 1 more.
Identifiers: ClinVar variation 705044 (VCV000705044.44), dbSNP rs145564988, ClinGen allele CA9987050.